The following is an entry in ClinVar:

NM_001379500.1(COL18A1):c.629dup (p.Ala211fs)

Gene: COL18A1 (collagen type XVIII alpha 1 chain; plus strand). Cytogenetic location: 21q22.3.
Variant type: Duplication.
Coding change: c.629dup on transcript NM_001379500.1 (MANE Select); coding-DNA position 629, one base duplicated (G; older notation c.629dupG).
Protein change: p.Ala211fs; shifts the reading frame from alanine 211.
Molecular consequence: frameshift variant.
Genome position (GRCh38, 1-based): chr21:45,468,764, G duplicated; the last of 6 consecutive G bases (chr21:45,468,759-45,468,764); duplicating any one gives the same sequence. VCF-style (leftmost placement, unchanged base first): chr21-45468758-C-CG. GRCh37 (hg19) VCF-style: chr21-46888672-C-CG.
Other names: c.1169dup, p.Ala391fs (NM_030582.4); c.1874dup, p.Ala626fs (NM_130444.3); short protein forms A391fs, A626fs, A211fs.
Identifiers: ClinVar variation 3677306 (VCV003677306.3).

ClinVar aggregate classification (germline): Pathogenic/Likely pathogenic. Review status: criteria provided, multiple submitters, no conflicts (2 of 4 stars). 2 submissions from 2 submitters: Pathogenic (1); Likely pathogenic (1). Last evaluated 2024-05-08.

Conditions:
COL18A1-related disorder. Also called: COL18A1-related disorders; COL18A1-related condition.

Submissions (2):

Labcorp Genetics (formerly Invitae), Labcorp
Classification: Pathogenic. Last evaluated: 2024-05-08. Review status: criteria provided, single submitter. Criteria: Invitae Variant Classification Sherloc (09022015). Collection method: clinical testing. Allele origin: germline.
Comment: This sequence change creates a premature translational stop signal (p.Ala211Serfs*4) in the COL18A1 gene. It is expected to result in an absent or disrupted protein product. Loss-of-function variants in COL18A1 are known to be pathogenic (PMID: 12415512, 25456301). The frequency data for this variant in the population databases is considered unreliable, as metrics indicate poor data quality at this position in the gnomAD database. This variant has not been reported in the literature in individuals affected with COL18A1-related conditions. For these reasons, this variant has been classified as Pathogenic.

Blueprint Genetics
Classification: Likely pathogenic for COL18A1-related disorders. Last evaluated: 2021-05-17. Review status: criteria provided, single submitter. Criteria: ACMG Guidelines, 2015. Collection method: clinical testing. Allele origin: germline. Affected: yes. Observed: 4 variant alleles.

Literature cited by the submitters: PubMed 12415512 (cited by Labcorp Genetics (formerly Invitae), Labcorp); PubMed 25456301 (cited by Labcorp Genetics (formerly Invitae), Labcorp).